The following is an entry in ClinVar:

ClinVar aggregate classification (germline): Conflicting classifications of pathogenicity. Review status: criteria provided, conflicting classifications (1 of 4 stars). 2 submissions from 2 submitters: Uncertain significance (1); Likely benign (1). Last evaluated 2025-04-28.

Conditions:
SBF2-related disorder. Also called: SBF2-related condition.

Allele frequency attached by ClinVar (database versions not stated): TOPMed below 0.00001; ExAC 0.00001; gnomAD 0.00001; gnomAD exomes 0.00001 and 0.00002.
gnomAD v4.1: 13 of 1,613,938 alleles (0.00081%); highest among the groups gnomAD compares: East Asian, 0.029%; no homozygotes.

Submissions (2):

PreventionGenetics, part of Exact Sciences
Classification: Likely benign for SBF2-related condition. Last evaluated: 2025-04-28. Review status: criteria provided, single submitter. Criteria: ACMG Guidelines, 2015. Collection method: clinical testing. Allele origin: germline.
Comment: This variant is classified as likely benign based on ACMG/AMP sequence variant interpretation guidelines (Richards et al. 2015 PMID: 25741868, with internal and published modifications).

Genetic Services Laboratory, University of Chicago
Classification: Uncertain significance. Last evaluated: 2017-04-26. Review status: criteria provided, single submitter. Criteria: ACMG Guidelines, 2015. Collection method: clinical testing. Allele origin: germline. Affected: no.

NM_030962.4(SBF2):c.3794-5T>C

Gene: SBF2 (SET binding factor 2; minus strand). Cytogenetic location: 11p15.4.
Variant type: single nucleotide variant.
Coding change: c.3794-5T>C on transcript NM_030962.4 (MANE Select); 5 bases into the intron before coding-DNA position 3794, T replaced by C.
Molecular consequence: intron variant.
Genome position (GRCh38, 1-based): chr11:9,817,029, A>G on the plus strand (T>C on the coding strand, the complement: SBF2 is on the minus strand). VCF-style: chr11-9817029-A-G. GRCh37 (hg19) VCF-style: chr11-9838576-A-G.
Other names: c.3665-5T>C (NM_001386342.1); c.3890-5T>C (NM_001386339.1).
Identifiers: ClinVar variation 436643 (VCV000436643.7), dbSNP rs750041384, ClinGen allele CA5881133.